The following is an entry in ClinVar:

NM_003098.3(SNTA1):c.701+6G>A

Gene: SNTA1 (syntrophin alpha 1; minus strand). Cytogenetic location: 20q11.21.
Variant type: single nucleotide variant.
Coding change: c.701+6G>A on transcript NM_003098.3 (MANE Select); 6 bases into the intron after coding-DNA position 701, G replaced by A.
Molecular consequence: intron variant.
Genome position (GRCh38, 1-based): chr20:33,417,713, C>T on the plus strand (G>A on the coding strand, the complement: SNTA1 is on the minus strand). VCF-style: chr20-33417713-C-T. GRCh37 (hg19) VCF-style: chr20-32005519-C-T.
Identifiers: ClinVar variation 507590 (VCV000507590.1), dbSNP rs763906288, ClinGen allele CA9817174.
Genomic context (GRCh38, chr20:33,417,713, plus strand): 5'-CCATTGGTCCCACCACCTGACGCCAGGGCATCTGTCCATCTGAGTTGCTCCCAACCCCAG[C>T]CTTACCTGGGCTCCGGGTCATTGGGGGTGCACCTCTTCGAGACATATGCCATCTTCAAGG-3'

ClinVar aggregate classification (germline): Likely benign (1 of 4 stars; one submission).

Allele frequency attached by ClinVar (database versions not stated): gnomAD exomes 0.00001 and 0.00002; ExAC 0.00002.
gnomAD v4.1: 3 of 1,611,274 alleles (0.00019%); highest among the groups gnomAD compares: Admixed American, 0.005%; no homozygotes.

Submission:

GeneDx
Classification: Likely benign. Last evaluated: 2017-02-21. Review status: criteria provided, single submitter. Criteria: GeneDx Variant Classification (06012015). Collection method: clinical testing. Allele origin: germline. Affected: yes.
Comment: This variant is considered likely benign or benign based on one or more of the following criteria: it is a conservative change, it occurs at a poorly conserved position in the protein, it is predicted to be benign by multiple in silico algorithms, and/or has population frequency not consistent with disease.